The following is an entry in ClinVar:

NM_006767.4(LZTR1):c.1407G>C (p.Trp469Cys)

Gene: LZTR1 (leucine zipper like post translational regulator 1; plus strand). Cytogenetic location: 22q11.21.
Variant type: single nucleotide variant.
Coding change: c.1407G>C on transcript NM_006767.4 (MANE Select); coding-DNA position 1407, G replaced by C.
Protein change: p.Trp469Cys; replaces tryptophan 469 with cysteine.
Molecular consequence: missense variant.
Genome position (GRCh38, 1-based): chr22:20,993,977, G>C. VCF-style: chr22-20993977-G-C. GRCh37 (hg19) VCF-style: chr22-21348266-G-C.
Other names: short protein forms W469C.
Identifiers: ClinVar variation 3684721 (VCV003684721.2).

ClinVar aggregate classification (germline): Uncertain significance (1 of 4 stars; one submission).

Submission:

Labcorp Genetics (formerly Invitae), Labcorp
Classification: Uncertain significance. Last evaluated: 2024-04-03. Review status: criteria provided, single submitter. Criteria: Invitae Variant Classification Sherloc (09022015). Collection method: clinical testing. Allele origin: germline.
Comment: This sequence change replaces tryptophan, which is neutral and slightly polar, with cysteine, which is neutral and slightly polar, at codon 469 of the LZTR1 protein (p.Trp469Cys). This variant is not present in population databases (gnomAD no frequency). This variant has not been reported in the literature in individuals affected with LZTR1-related conditions. Advanced modeling of protein sequence and biophysical properties (such as structural, functional, and spatial information, amino acid conservation, physicochemical variation, residue mobility, and thermodynamic stability) performed at Invitae indicates that this missense variant is not expected to disrupt LZTR1 protein function with a negative predictive value of 80%. In summary, the available evidence is currently insufficient to determine the role of this variant in disease. Therefore, it has been classified as a Variant of Uncertain Significance.